The following is an entry in ClinVar:

ClinVar aggregate classification (germline): Conflicting classifications of pathogenicity. Review status: criteria provided, conflicting classifications (1 of 4 stars). 4 submissions from 4 submitters: Likely pathogenic (2); Uncertain significance (2). Last evaluated 2025-09-10.

Conditions:
Dilated cardiomyopathy 1G (CMD1G). Identifiers: Orphanet 154, MedGen C1858763, MONDO:0011400, OMIM 604145.
Autosomal recessive limb-girdle muscular dystrophy type 2J (LGMDR10). Also called: Limb-girdle muscular dystrophy, type 2J; MUSCULAR DYSTROPHY, LIMB-GIRDLE, AUTOSOMAL RECESSIVE 10. Identifiers: Orphanet 140922, MedGen C1837342, MONDO:0012127, OMIM 608807.
Hypertrophic cardiomyopathy 9. Also called: Familial hypertrophic cardiomyopathy 9. Identifiers: MedGen C1861065, MONDO:0013412, OMIM 613765.
Tibial muscular dystrophy (TMD). Also called: Udd Distal Myopathy – Tibial Muscular Dystrophy; UDD MYOPATHY; Tibial muscular dystrophy, tardive. Identifiers: Orphanet 609, MedGen C1838244, MONDO:0010870, OMIM 600334.
Early-onset myopathy with fatal cardiomyopathy (CMYO5). Also called: Salih Myopathy; CONGENITAL MYOPATHY 5 WITH CARDIOMYOPATHY. Identifiers: Orphanet 289377, MedGen C2673677, MONDO:0012714, OMIM 611705. Disease mechanism: loss of function.
Myopathy, myofibrillar, 9, with early respiratory failure (MFM9). Also called: EDSTROM MYOPATHY; MYOPATHY, PROXIMAL, WITH EARLY RESPIRATORY MUSCLE INVOLVEMENT; Hereditary myopathy with early respiratory failure; Myopathy, distal, with early respiratory failure, autosomal dominant. Identifiers: Orphanet 178464, Orphanet 34521, MedGen C1863599, MONDO:0011362, OMIM 603689.

Submissions (4):

Labcorp Genetics (formerly Invitae), Labcorp
Classification: Likely pathogenic for Dilated cardiomyopathy 1G; Autosomal recessive limb-girdle muscular dystrophy type 2J. Last evaluated: 2025-09-10. Review status: criteria provided, single submitter. Criteria: Invitae Variant Classification Sherloc (09022015). Collection method: clinical testing. Allele origin: germline.
Comment: This sequence change creates a premature translational stop signal (p.Ser12030Lysfs*127) in the TTN gene. While this is not anticipated to result in nonsense mediated decay, it is expected to create a truncated TTN protein. This variant is not present in population databases (gnomAD no frequency). This variant has not been reported in the literature in individuals affected with TTN-related conditions. ClinVar contains an entry for this variant (Variation ID: 1677684). This variant is located in the I band of TTN (PMID: 25589632). Truncating variants in this region have been reported in individuals affected with autosomal recessive centronuclear myopathy (PMID: 23975875, internal data). Truncating variants in this region have also been identified in individuals affected with autosomal dominant dilated cardiomyopathy and/or cardio-related conditions (PMID: 27869827, 32964742, internal data). In summary, the currently available evidence indicates that the variant is pathogenic, but additional data are needed to prove that conclusively. Therefore, this variant has been classified as Likely Pathogenic.

GeneDx
Classification: Likely pathogenic. Last evaluated: 2022-05-20. Review status: criteria provided, single submitter. Criteria: GeneDx Variant Classification Process June 2021. Collection method: clinical testing. Allele origin: germline. Affected: yes.
Comment: Frameshift variant predicted to result in protein truncation or nonsense mediated decay in a gene for which loss of function is a known mechanism of disease; Not observed at significant frequency in large population cohorts (gnomAD); Has not been previously published as pathogenic or benign to our knowledge; Located in a region of TTN within the I-band in which the majority of loss of function variants are significantly associated with autosomal dominant titinopathies (Deo et al., 2016; Schafer et al., 2017)

AiLife Diagnostics
Classification: Uncertain significance. Last evaluated: 2021-12-14. Review status: criteria provided, single submitter. Criteria: ACMG Guidelines, 2015. Collection method: clinical testing. Allele origin: germline. Affected: yes. Observed: 1 variant allele.

Fulgent Genetics
Classification: Uncertain significance for Tibial muscular dystrophy; Myopathy, myofibrillar, 9, with early respiratory failure; Dilated cardiomyopathy 1G; Autosomal recessive limb-girdle muscular dystrophy type 2J; Early-onset myopathy with fatal cardiomyopathy; Hypertrophic cardiomyopathy 9. Last evaluated: 2021-10-05. Review status: criteria provided, single submitter. Criteria: ACMG Guidelines, 2015. Collection method: clinical testing. Allele origin: unknown.

Literature cited by the submitters: PubMed 25589632 (cited by Labcorp Genetics (formerly Invitae), Labcorp); PubMed 23975875 (cited by Labcorp Genetics (formerly Invitae), Labcorp); PubMed 27869827 (cited by Labcorp Genetics (formerly Invitae), Labcorp); PubMed 32964742 (cited by Labcorp Genetics (formerly Invitae), Labcorp).

NM_001267550.2(TTN):c.36087_36090del (p.Ser12030fs)

Gene: TTN (titin; minus strand). Cytogenetic location: 2q31.2.
Variant type: Microsatellite.
Coding change: c.36087_36090del on transcript NM_001267550.2 (MANE Select); coding-DNA positions 36087 to 36090, 4 bases deleted (TTCC; older notation c.36087_36090delTTCC).
Protein change: p.Ser12030fs; shifts the reading frame from serine 12030.
Molecular consequence: frameshift variant. On other transcripts: intron variant (5).
Genome position (GRCh38, 1-based): chr2:178,664,880-178,664,883, GGAA deleted on the plus strand (TTCC on the coding strand, the reverse complement: TTN is on the minus strand); deleting any 4 consecutive bases within chr2:178,664,880-178,664,887 gives the same sequence; the c. name uses the placement nearest the transcript's 3' end. VCF-style (leftmost placement, unchanged base first): chr2-178664879-TGGAA-T. GRCh37 (hg19) VCF-style: chr2-179529606-TGGAA-T.
Other names: c.13283-22566_13283-22563del (NM_003319.4); c.13859-22566_13859-22563del (NM_133437.4); c.13658-22566_13658-22563del (NM_133432.3); c.31484-1828_31484-1825del (NM_133378.4); c.34265-1828_34265-1825del (NM_001256850.1); short protein forms S12030fs.
Identifiers: ClinVar variation 1677684 (VCV001677684.4), dbSNP rs2154260181, ClinGen allele CA2580614514.
Genomic context (GRCh38, chr2:178,664,879, plus strand): 5'-AGTTCTTGACCCTGAGAGCATGGTGACTTGTACCTTTAACTGATGGGGGTTCTCTTTTTT[TGGAA>T]GGAACTGTCTTGGCAGGAATAATTTCTTGAGGAGCTTCGGGCGCTTGAAAGATATTAGCA-3'